The following is an entry in ClinVar:

ClinVar aggregate classification (germline): Uncertain significance (1 of 4 stars; one submission).

gnomAD v4.1: 44 of 1,613,968 alleles (0.0027%); highest among the groups gnomAD compares: Admixed American, 0.0067%; no homozygotes.

Submission:

Labcorp Genetics (formerly Invitae), Labcorp
Classification: Uncertain significance. Last evaluated: 2026-01-19. Review status: criteria provided, single submitter. Criteria: Invitae Variant Classification Sherloc (09022015). Collection method: clinical testing. Allele origin: germline.
Comment: This sequence change replaces proline, which is neutral and non-polar, with arginine, which is basic and polar, at codon 169 of the FMN1 protein (p.Pro169Arg). The frequency data for this variant in the population databases is considered unreliable, as metrics indicate poor data quality at this position in the gnomAD database. This variant has not been reported in the literature in individuals affected with FMN1-related conditions. ClinVar contains an entry for this variant (Variation ID: 3665024). Experimental studies and prediction algorithms are not available or were not evaluated, and the functional significance of this variant is currently unknown. In summary, the available evidence is currently insufficient to determine the role of this variant in disease. Therefore, it has been classified as a Variant of Uncertain Significance.

NM_001277313.2(FMN1):c.2044-2305C>G

Gene: FMN1 (formin 1; minus strand). Cytogenetic location: 15q13.3.
Variant type: single nucleotide variant.
Coding change: c.2044-2305C>G on transcript NM_001277313.2 (MANE Select); 2305 bases into the intron before coding-DNA position 2044, C replaced by G.
Molecular consequence: intron variant. On other transcripts: missense variant (1).
Genome position (GRCh38, 1-based): chr15:33,067,379, G>C on the plus strand (C>G on the coding strand, the complement: FMN1 is on the minus strand). VCF-style: chr15-33067379-G-C. GRCh37 (hg19) VCF-style: chr15-33359580-G-C.
Other names: c.506C>G, p.Pro169Arg (NM_001103184.4); short protein forms P169R.
Identifiers: ClinVar variation 3665024 (VCV003665024.2).
Genomic context (GRCh38, chr15:33,067,379, plus strand): 5'-TCCCTGAAACCTCCTGGGTTTTCTTTGGACTCCTGAGATGGCTCAGATAAAACACCACTA[G>C]GGGACTTTGGGCCATTGGTGCTGCTTCCCTCCTCTGGCTCCTGGCCACCATCATCAGAGT-3'